The following is an entry in ClinVar:

NM_007294.4(BRCA1):c.2982dup (p.Lys995Ter)

Gene: BRCA1 (BRCA1 DNA repair associated; minus strand). Cytogenetic location: 17q21.31.
Variant type: Duplication.
Coding change: c.2982dup on transcript NM_007294.4 (MANE Select); coding-DNA position 2982, one base duplicated (T; older notation c.2982dupT).
Protein change: p.Lys995Ter; replaces lysine 995 with a stop codon.
Molecular consequence: nonsense. On other transcripts: intron variant (137).
Genome position (GRCh38, 1-based): chr17:43,092,549, A duplicated on the plus strand (T on the coding strand, the reverse complement: BRCA1 is on the minus strand). VCF-style (leftmost placement, unchanged base first): chr17-43092548-T-TA. GRCh37 (hg19) VCF-style: chr17-41244565-T-TA.
Other names: c.2838dup, p.Lys947Ter (NM_001407839.1, NM_001407841.1, NM_001407842.1 and 20 more transcripts); c.2841dup, p.Lys948Ter (NM_001407850.1, NM_001407851.1, NM_001407852.1 and 29 more transcripts); c.2769dup, p.Lys924Ter (NM_001407853.1, NM_001407571.1, NM_001407894.1 and 9 more transcripts); c.2982dup, p.Lys995Ter (NM_001407854.1, NM_001407858.1, NM_001407859.1 and 30 more transcripts); c.2979dup, p.Lys994Ter (NM_001407860.1, NM_001407861.1, NM_001407587.1 and 22 more transcripts); c.2781dup, p.Lys928Ter (NM_001407862.1); c.2859dup, p.Lys954Ter (NM_001407863.1, NM_001407919.1, NM_001407937.1 and 19 more transcripts); c.2778dup, p.Lys927Ter (NM_001407874.1, NM_001407875.1); and 41 more; short protein forms K948*, K995*, K883*, K906*, K927*, K947*, K953*, K954*.
Identifiers: ClinVar variation 1713247 (VCV001713247.12), dbSNP rs2552178623, ClinGen allele CA2580093929.

ClinVar aggregate classification (germline): Pathogenic. Review status: criteria provided, single submitter (1 of 4 stars). 2 submissions from 2 submitters: Pathogenic (1). 1 of the submissions does not count toward it. Last evaluated 2022-08-27.

Conditions:
Hereditary breast ovarian cancer syndrome. Also called: Hereditary breast and ovarian cancer syndrome; Hereditary breast and ovarian cancer; Hereditary breast and ovarian cancer syndrome (HBOC); Breast and ovarian cancer; Hereditary breast and/or ovarian cancer syndrome; BRCA1- and BRCA2-Associated Hereditary Breast and Ovarian Cancer. Identifiers: Orphanet 145, MedGen C0677776, MeSH D061325, MONDO:0003582. Disease mechanism: loss of function.
Breast-ovarian cancer, familial, susceptibility to, 1 (BROVCA1). Also called: OVARIAN CANCER, SUSCEPTIBILITY TO; BRCA1 Hereditary Breast and Ovarian Cancer. Identifiers: Orphanet 145, MedGen C2676676, MONDO:0011450, OMIM 604370. Disease mechanism: loss of function.

Submissions (2):

Labcorp Genetics (formerly Invitae), Labcorp
Classification: Pathogenic for Hereditary breast ovarian cancer syndrome. Last evaluated: 2022-08-27. Review status: criteria provided, single submitter. Criteria: Invitae Variant Classification Sherloc (09022015). Collection method: clinical testing. Allele origin: germline.
Comment: This sequence change creates a premature translational stop signal (p.Lys995*) in the BRCA1 gene. It is expected to result in an absent or disrupted protein product. Loss-of-function variants in BRCA1 are known to be pathogenic (PMID: 20104584). This variant is not present in population databases (gnomAD no frequency). This variant has not been reported in the literature in individuals affected with BRCA1-related conditions. For these reasons, this variant has been classified as Pathogenic.

BRCAlab, Lund University
Classification: Pathogenic for Breast-ovarian cancer, familial, susceptibility to, 1. Last evaluated: 2022-08-26. Review status: no assertion criteria provided. Collection method: clinical testing. Allele origin: germline. Affected: yes. Not counted in ClinVar's aggregate classification.

Literature cited by the submitters: PubMed 20104584 (cited by Labcorp Genetics (formerly Invitae), Labcorp).